The following is an entry in ClinVar:

ClinVar aggregate classification (germline): Uncertain significance (1 of 4 stars; one submission).

Allele frequency attached by ClinVar (database versions not stated): gnomAD exomes below 0.00001.
gnomAD v4.1: 3 of 1,203,008 alleles (0.00025%); highest among the groups gnomAD compares: Admixed American, 0.0022%; no homozygotes.

Submission:

Labcorp Genetics (formerly Invitae), Labcorp
Classification: Uncertain significance. Last evaluated: 2023-07-07. Review status: criteria provided, single submitter. Criteria: Invitae Variant Classification Sherloc (09022015). Collection method: clinical testing. Allele origin: germline.
Comment: ClinVar contains an entry for this variant (Variation ID: 956722). This sequence change replaces tyrosine, which is neutral and polar, with cysteine, which is neutral and slightly polar, at codon 1329 of the CACNA1F protein (p.Tyr1329Cys). This variant is not present in population databases (gnomAD no frequency). This variant has not been reported in the literature in individuals affected with CACNA1F-related conditions. Advanced modeling of protein sequence and biophysical properties (such as structural, functional, and spatial information, amino acid conservation, physicochemical variation, residue mobility, and thermodynamic stability) performed at Invitae indicates that this missense variant is expected to disrupt CACNA1F protein function. In summary, the available evidence is currently insufficient to determine the role of this variant in disease. Therefore, it has been classified as a Variant of Uncertain Significance.

NM_001256789.3(CACNA1F):c.3953A>G (p.Tyr1318Cys)

Gene: CACNA1F (calcium voltage-gated channel subunit alpha1 F; minus strand). Cytogenetic location: Xp11.23.
Variant type: single nucleotide variant.
Coding change: c.3953A>G on transcript NM_001256789.3 (MANE Select); coding-DNA position 3953, A replaced by G.
Protein change: p.Tyr1318Cys; replaces tyrosine 1318 with cysteine.
Molecular consequence: missense variant.
Genome position (GRCh38, 1-based): chrX:49,212,298, T>C on the plus strand (A>G on the coding strand, the complement: CACNA1F is on the minus strand). VCF-style: chrX-49212298-T-C. GRCh37 (hg19) VCF-style: chrX-49068758-T-C.
Other names: c.3791A>G, p.Tyr1264Cys (NM_001256790.3); c.3986A>G, p.Tyr1329Cys (NM_005183.4); short protein forms Y1264C, Y1318C, Y1329C.
Identifiers: ClinVar variation 956722 (VCV000956722.9), dbSNP rs2065664540, ClinGen allele CA412962172.